The following is an entry in ClinVar:

ClinVar aggregate classification (germline): Pathogenic (1 of 4 stars; one submission).

Submission:

Labcorp Genetics (formerly Invitae), Labcorp
Classification: Pathogenic. Last evaluated: 2023-09-17. Review status: criteria provided, single submitter. Criteria: Invitae Variant Classification Sherloc (09022015). Collection method: clinical testing. Allele origin: germline.
Comment: For these reasons, this variant has been classified as Pathogenic. This premature translational stop signal has been observed in individual(s) with hypophosphatemic rickets (PMID: 26051471, 30682568). This variant is not present in population databases (gnomAD no frequency). This sequence change creates a premature translational stop signal (p.Gly648*) in the PHEX gene. It is expected to result in an absent or disrupted protein product. Loss-of-function variants in PHEX are known to be pathogenic (PMID: 9097956, 9106524, 19219621).

Literature cited by the submitters: PubMed 26051471; PubMed 30682568; PubMed 9097956; PubMed 9106524; PubMed 19219621.

NM_000444.6(PHEX):c.1942G>T (p.Gly648Ter)

Genes: PHEX (phosphate regulating endopeptidase X-linked; plus strand), PTCHD1-AS (PTCHD1 and PHEX antisense RNA; minus strand). Cytogenetic location: Xp22.11.
Variant type: single nucleotide variant.
Coding change: c.1942G>T on transcript NM_000444.6 (MANE Select); coding-DNA position 1942, G replaced by T.
Protein change: p.Gly648Ter; replaces glycine 648 with a stop codon.
Molecular consequence: nonsense.
Genome position (GRCh38, 1-based): chrX:22,226,485, G>T. VCF-style: chrX-22226485-G-T. GRCh37 (hg19) VCF-style: chrX-22244602-G-T.
Other names: c.1942G>T, p.Gly648Ter (NM_001282754.2); short protein forms G648*.
Identifiers: ClinVar variation 2737126 (VCV002737126.3), dbSNP rs1935507597, ClinGen allele CA412574220.